The following is an entry in ClinVar:

ClinVar aggregate classification (germline): Uncertain significance (1 of 4 stars; one submission).

Conditions:
Symmetrical dyschromatosis of extremities (DSH). Also called: Dyschromatosis symmetrica hereditaria; RETICULATE ACROPIGMENTATION OF DOHI; DYSCHROMATOSIS SYMMETRICA HEREDITARIA 1; SYMMETRIC DYSCHROMATOSIS OF THE EXTREMITIES. Identifiers: Orphanet 41, MedGen C0406775, MONDO:0007483, OMIM 127400.
Aicardi-Goutieres syndrome 6 (AGS6). Identifiers: Orphanet 51, MedGen C3539013, MONDO:0014007, OMIM 615010.

Allele frequency attached by ClinVar (database versions not stated): gnomAD 0.00001; gnomAD exomes 0.00001; TOPMed 0.00001.

Submission:

Labcorp Genetics (formerly Invitae), Labcorp
Classification: Uncertain significance for Aicardi-Goutieres syndrome 6; Symmetrical dyschromatosis of extremities. Last evaluated: 2025-12-09. Review status: criteria provided, single submitter. Criteria: Invitae Variant Classification Sherloc (09022015). Collection method: clinical testing. Allele origin: germline.
Comment: This sequence change replaces proline, which is neutral and non-polar, with leucine, which is neutral and non-polar, at codon 229 of the ADAR protein (p.Pro229Leu). This variant is present in population databases (no rsID available, gnomAD 0.006%). This variant has not been reported in the literature in individuals affected with ADAR-related conditions. ClinVar contains an entry for this variant (Variation ID: 1042783). Experimental studies and prediction algorithms are not available or were not evaluated, and the functional significance of this variant is currently unknown. In summary, the available evidence is currently insufficient to determine the role of this variant in disease. Therefore, it has been classified as a Variant of Uncertain Significance.

NM_001111.5(ADAR):c.686C>T (p.Pro229Leu)

Gene: ADAR (adenosine deaminase RNA specific; minus strand). Cytogenetic location: 1q21.3.
Variant type: single nucleotide variant.
Coding change: c.686C>T on transcript NM_001111.5 (MANE Select); coding-DNA position 686, C replaced by T.
Protein change: p.Pro229Leu; replaces proline 229 with leucine.
Molecular consequence: missense variant. On other transcripts: 5 prime UTR variant (6).
Genome position (GRCh38, 1-based): chr1:154,601,956, G>A on the plus strand (C>T on the coding strand, the complement: ADAR is on the minus strand). VCF-style: chr1-154601956-G-A. GRCh37 (hg19) VCF-style: chr1-154574432-G-A.
Other names: c.-200C>T (NM_001025107.3, NM_001193495.2, NM_001365046.1 and 3 more transcripts); c.713C>T, p.Pro238Leu (NM_001365045.1); c.686C>T, p.Pro229Leu (NM_015840.4, NM_015841.4); short protein forms P238L, P229L.
Identifiers: ClinVar variation 1042783 (VCV001042783.8), dbSNP rs1338472867, ClinGen allele CA342600445.